The following is an entry in ClinVar:

ClinVar aggregate classification (germline): Pathogenic. Review status: criteria provided, single submitter (1 of 4 stars). 3 submissions from 3 submitters: Pathogenic (1). 2 of the submissions do not count toward it. Last evaluated 2025-02-20.

Conditions:
Pontocerebellar hypoplasia type 7. Identifiers: Orphanet 284339, MedGen C3554226, MONDO:0013993, OMIM 614969.

Allele frequency attached by ClinVar (database versions not stated): gnomAD 0.00001; ExAC 0.00002; TOPMed 0.00002; gnomAD exomes 0.00003 and 0.00006.

Submissions (3):

Labcorp Genetics (formerly Invitae), Labcorp
Classification: Pathogenic. Last evaluated: 2025-02-20. Review status: criteria provided, single submitter. Criteria: Invitae Variant Classification Sherloc (09022015). Collection method: clinical testing. Allele origin: germline.
Comment: This sequence change replaces valine, which is neutral and non-polar, with glycine, which is neutral and non-polar, at codon 173 of the TOE1 protein (p.Val173Gly). This variant is present in population databases (rs777030573, gnomAD 0.006%). This missense change has been observed in individual(s) with pontocerebellar hypoplasia (PMID: 28092684). In at least one individual the data is consistent with being in trans (on the opposite chromosome) from a pathogenic variant. ClinVar contains an entry for this variant (Variation ID: 417749). Invitae Evidence Modeling of protein sequence and biophysical properties (such as structural, functional, and spatial information, amino acid conservation, physicochemical variation, residue mobility, and thermodynamic stability) indicates that this missense variant is expected to disrupt TOE1 protein function with a positive predictive value of 80%. Experimental studies have shown that this missense change affects TOE1 function (PMID: 28092684). For these reasons, this variant has been classified as Pathogenic.

OMIM
Classification: Pathogenic for PONTOCEREBELLAR HYPOPLASIA, TYPE 7. Last evaluated: 2021-05-06. Review status: no assertion criteria provided. Collection method: literature only. Allele origin: germline. Not counted in ClinVar's aggregate classification.

University of Washington Center for Mendelian Genomics, University of Washington
Classification: Likely pathogenic for Pontocerebellar Hypoplasia Type 7. Last evaluated: 2017-07-16. Review status: no assertion criteria provided. Collection method: research. Allele origin: unknown. Affected: yes. Not counted in ClinVar's aggregate classification.

Literature cited by the submitters: PubMed 28092684 (cited by 3 submitters); PubMed 21594990 (cited by OMIM).

NM_025077.4(TOE1):c.518T>G (p.Val173Gly)

Gene: TOE1 (target of EGR1, exonuclease; plus strand). Cytogenetic location: 1p34.1.
Variant type: single nucleotide variant.
Coding change: c.518T>G on transcript NM_025077.4 (MANE Select); coding-DNA position 518, T replaced by G.
Protein change: p.Val173Gly; replaces valine 173 with glycine.
Molecular consequence: missense variant.
Genome position (GRCh38, 1-based): chr1:45,342,409, T>G. VCF-style: chr1-45342409-T-G. GRCh37 (hg19) VCF-style: chr1-45808081-T-G.
Other names: TOE1, VAL173GLY (rs777030573); short protein forms V173G.
Identifiers: ClinVar variation 417749 (VCV000417749.5), dbSNP rs777030573, ClinGen allele CA826593.